The following is an entry in ClinVar:

NM_015046.7(SETX):c.2954C>T (p.Ser985Leu)

Gene: SETX (senataxin; minus strand). Cytogenetic location: 9q34.13.
Variant type: single nucleotide variant.
Coding change: c.2954C>T on transcript NM_015046.7 (MANE Select); coding-DNA position 2954, C replaced by T.
Protein change: p.Ser985Leu; replaces serine 985 with leucine.
Molecular consequence: missense variant.
Genome position (GRCh38, 1-based): chr9:132,328,644, G>A on the plus strand (C>T on the coding strand, the complement: SETX is on the minus strand). VCF-style: chr9-132328644-G-A. GRCh37 (hg19) VCF-style: chr9-135204031-G-A.
Other names: c.2954C>T, p.Ser985Leu (NM_001351527.2, NM_001351528.2); short protein forms S985L.
Identifiers: ClinVar variation 706482 (VCV000706482.28), dbSNP rs557074957, ClinGen allele CA5297509.

ClinVar aggregate classification (germline): Likely benign. Review status: criteria provided, multiple submitters, no conflicts (2 of 4 stars). 4 submissions from 4 submitters: Likely benign (3). 1 of the submissions does not count toward it. Last evaluated 2025-06-25.

Conditions:
SETX-related disorder. Also called: SETX-related disorders; SETX-related condition. Identifiers: MedGen CN239403.
Amyotrophic lateral sclerosis type 4 (ALS4). Also called: AMYOTROPHIC LATERAL SCLEROSIS 4, JUVENILE; NEURONOPATHY, DISTAL HEREDITARY MOTOR, WITH PYRAMIDAL FEATURES. Identifiers: Orphanet 357043, MedGen C1865409, MONDO:0011223, OMIM 602433.
Spinocerebellar ataxia, autosomal recessive, with axonal neuropathy 2 (SCAN2). Also called: ATAXIA-OCULOMOTOR APRAXIA 2; Ataxia with Oculomotor Apraxia; Ataxia with Oculomotor Apraxia Type 2; Ataxia-ocular apraxia-2. Identifiers: Orphanet 64753, MedGen C1853761, MONDO:0018996, OMIM 606002.

Allele frequency attached by ClinVar (database versions not stated): gnomAD 0.00003; TOPMed 0.00003; gnomAD exomes 0.00005 and 0.00014; ExAC 0.00017; 1000 Genomes Project 30x 0.00078; 1000 Genomes Project 0.00080.
gnomAD v4.1: 88 of 1,613,142 alleles (0.0055%); highest among the groups gnomAD compares: East Asian, 0.056%; 1 homozygote.

Submissions (4):

Athena Diagnostics
Classification: Likely benign. Last evaluated: 2025-06-25. Review status: criteria provided, single submitter. Criteria: Athena Diagnostics Criteria. Collection method: clinical testing. Allele origin: unknown.
Comment: The frequency of this variant in the general population is higher than would generally be expected for pathogenic variants in this gene.

CeGaT Center for Human Genetics Tuebingen
Classification: Likely benign. Last evaluated: 2024-08-01. Review status: criteria provided, single submitter. Criteria: CeGaT Center For Human Genetics Tuebingen Variant Classification Criteria Version 2. Collection method: clinical testing. Allele origin: germline. Affected: yes. Observed: 1 variant allele.
Comment: SETX: BP4, BS1

Labcorp Genetics (formerly Invitae), Labcorp
Classification: Likely benign for Amyotrophic lateral sclerosis type 4; Spinocerebellar ataxia, autosomal recessive, with axonal neuropathy 2. Last evaluated: 2024-02-03. Review status: criteria provided, single submitter. Criteria: Invitae Variant Classification Sherloc (09022015). Collection method: clinical testing. Allele origin: germline.

PreventionGenetics, part of Exact Sciences
Classification: Likely benign for SETX-related condition. Last evaluated: 2023-09-26. Review status: no assertion criteria provided. Collection method: clinical testing. Allele origin: germline. Not counted in ClinVar's aggregate classification.
Comment: This variant is classified as likely benign based on ACMG/AMP sequence variant interpretation guidelines (Richards et al. 2015 PMID: 25741868, with internal and published modifications).

Literature cited by the submitters: PubMed 37952009 (cited by Athena Diagnostics).